The following is an entry in ClinVar:

NM_020893.6(CCDC180):c.1068C>G (p.Leu356=)

Genes: CCDC180 (coiled-coil domain containing 180; plus strand), SUGT1P4-STRA6LP-CCDC180 (SUGT1P4-STRA6LP-CCDC180 readthrough; plus strand). Cytogenetic location: 9q22.33.
Variant type: single nucleotide variant.
Coding change: c.1068C>G on transcript NM_020893.6 (MANE Select); coding-DNA position 1068, C replaced by G.
Protein change: p.Leu356=; no amino-acid change (leucine 356 retained).
Molecular consequence: synonymous variant. On other transcripts: non-coding transcript variant (3).
Genome position (GRCh38, 1-based): chr9:97,318,571, C>G. VCF-style: chr9-97318571-C-G. GRCh37 (hg19) VCF-style: chr9-100080853-C-G.
Other names: c.1059C>G, p.Leu353= (NM_001348010.4).
Identifiers: ClinVar variation 2659330 (VCV002659330.24), dbSNP rs2490269220, ClinGen allele CA466151900.
Genomic context (GRCh38, chr9:97,318,571, plus strand): 5'-GGAGCTAGAGGTCATGCTGAAGACCCAGAACGTCCTGCAGCAAAGGCGGCTGAAGCATCT[C>G]TGCACCATCTGGTATGGGCAGGAGGGGCGGCCCAGGAGGGGTGCTTCTTGGGGTGCAGTG-3'
Protein context (NP_065944.3, residues 346-366): NVLQQRRLKH[Leu356=]CTICDLLPPS

ClinVar aggregate classification (germline): Likely benign (1 of 4 stars; one submission).

Allele frequency attached by ClinVar (database versions not stated): gnomAD exomes below 0.00001.
gnomAD v4.1: 2 of 1,612,890 alleles (0.00012%); highest among the groups gnomAD compares: African/African-American, 0.0027%; no homozygotes.

Submission:

CeGaT Center for Human Genetics Tuebingen
Classification: Likely benign. Last evaluated: 2023-04-01. Review status: criteria provided, single submitter. Criteria: CeGaT Center For Human Genetics Tuebingen Variant Classification Criteria Version 2. Collection method: clinical testing. Allele origin: germline. Affected: yes. Observed: 1 variant allele.
Comment: CCDC180: PM2:Supporting, BP4, BP7